The following is an entry in ClinVar:

NM_016312.3(WBP11):c.605C>T (p.Pro202Leu)

Gene: WBP11 (WW domain binding protein 11; minus strand). Cytogenetic location: 12p12.3.
Variant type: single nucleotide variant.
Coding change: c.605C>T on transcript NM_016312.3 (MANE Select); coding-DNA position 605, C replaced by T.
Protein change: p.Pro202Leu; replaces proline 202 with leucine.
Molecular consequence: missense variant.
Genome position (GRCh38, 1-based): chr12:14,794,653, G>A on the plus strand (C>T on the coding strand, the complement: WBP11 is on the minus strand). VCF-style: chr12-14794653-G-A. GRCh37 (hg19) VCF-style: chr12-14947587-G-A.
Other names: short protein forms P202L.
Identifiers: ClinVar variation 4083266 (VCV004083266.1).

ClinVar aggregate classification (germline): Uncertain significance (1 of 4 stars; one submission).

Submission:

GeneDx
Classification: Uncertain significance. Last evaluated: 2025-03-11. Review status: criteria provided, single submitter. Criteria: GeneDx Variant Classification Process June 2021. Collection method: clinical testing. Allele origin: germline. Affected: yes.
Comment: Not observed at significant frequency in large population cohorts (gnomAD); In silico analysis supports that this missense variant has a deleterious effect on protein structure/function; Has not been previously published as pathogenic or benign to our knowledge